The following is an entry in ClinVar:

ClinVar aggregate classification (germline): Likely benign (1 of 4 stars; one submission).

gnomAD v4.1: 268 of 1,546,218 alleles (0.017%); highest among the groups gnomAD compares: Middle Eastern, 0.19%; no homozygotes.

Submission:

CeGaT Center for Human Genetics Tuebingen
Classification: Likely benign. Last evaluated: 2024-10-01. Review status: criteria provided, single submitter. Criteria: CeGaT Center For Human Genetics Tuebingen Variant Classification Criteria Version 2. Collection method: clinical testing. Allele origin: germline. Affected: yes. Observed: 1 variant allele.
Comment: PLCH2: BP4, BP7

NM_014638.4(PLCH2):c.4152C>T (p.Ser1384=)

Gene: PLCH2 (phospholipase C eta 2; plus strand). Cytogenetic location: 1p36.32.
Variant type: single nucleotide variant.
Coding change: c.4152C>T on transcript NM_014638.4 (MANE Select); coding-DNA position 4152, C replaced by T.
Protein change: p.Ser1384=; no amino-acid change (serine 1384 retained).
Molecular consequence: synonymous variant. On other transcripts: 3 prime UTR variant (2).
Genome position (GRCh38, 1-based): chr1:2,505,114, C>T. VCF-style: chr1-2505114-C-T. GRCh37 (hg19) VCF-style: chr1-2436553-C-T.
Other names: c.*1487C>T (NM_001303012.2); c.*1129C>T (NM_001303013.1).
Identifiers: ClinVar variation 3388456 (VCV003388456.14).